The following is an entry in ClinVar:

ClinVar aggregate classification (germline): Likely benign (1 of 4 stars; one submission).

Allele frequency attached by ClinVar (database versions not stated): 1000 Genomes Project 0.00120; ExAC 0.00121; 1000 Genomes Project 30x 0.00125; TOPMed 0.00151; gnomAD 0.00158; ESP Exome Variant Server 0.00208.
gnomAD v4.1: 3,596 of 1,610,300 alleles (0.22%); highest among the groups gnomAD compares: Non-Finnish European, 0.28%; 7 homozygotes.

Submission:

CeGaT Center for Human Genetics Tuebingen
Classification: Likely benign. Last evaluated: 2022-04-01. Review status: criteria provided, single submitter. Criteria: CeGaT Center For Human Genetics Tuebingen Variant Classification Criteria Version 2. Collection method: clinical testing. Allele origin: germline. Affected: yes. Observed: 1 variant allele.
Comment: EPB41L5: BP4, BP7

NM_020909.4(EPB41L5):c.24A>G (p.Thr8=)

Gene: EPB41L5 (erythrocyte membrane protein band 4.1 like 5; plus strand). Cytogenetic location: 2q14.2.
Variant type: single nucleotide variant.
Coding change: c.24A>G on transcript NM_020909.4 (MANE Select); coding-DNA position 24, A replaced by G.
Protein change: p.Thr8=; no amino-acid change (threonine 8 retained).
Molecular consequence: synonymous variant. On other transcripts: 5 prime UTR variant (1), non-coding transcript variant (2).
Genome position (GRCh38, 1-based): chr2:120,019,108, A>G. VCF-style: chr2-120019108-A-G. GRCh37 (hg19) VCF-style: chr2-120776684-A-G.
Other names: c.24A>G, p.Thr8= (NM_001184937.2, NM_001184938.4, NM_001184939.3 and 1 more transcripts); c.-197A>G (NM_001330307.2).
Identifiers: ClinVar variation 2651310 (VCV002651310.24), dbSNP rs143715183, ClinGen allele CA1849954.